The following is an entry in ClinVar:

NM_001330260.2(SCN8A):c.955C>A (p.Leu319Met)

Gene: SCN8A (sodium voltage-gated channel alpha subunit 8; plus strand). Cytogenetic location: 12q13.13.
Variant type: single nucleotide variant.
Coding change: c.955C>A on transcript NM_001330260.2 (MANE Select); coding-DNA position 955, C replaced by A.
Protein change: p.Leu319Met; replaces leucine 319 with methionine.
Molecular consequence: missense variant.
Genome position (GRCh38, 1-based): chr12:51,701,170, C>A. VCF-style: chr12-51701170-C-A. GRCh37 (hg19) VCF-style: chr12-52094954-C-A.
Other names: c.955C>A, p.Leu319Met (NM_001177984.3, NM_001369788.1, NM_014191.4); short protein forms L319M.
Identifiers: ClinVar variation 1041296 (VCV001041296.9), dbSNP rs1380654654, ClinGen allele CA385226927.

ClinVar aggregate classification (germline): Uncertain significance (1 of 4 stars; one submission).

Conditions:
Early-infantile DEE. Also called: Ohtahara syndrome; Early infantile epileptic encephalopathy with suppression bursts; Early infantile epileptic encephalopathy. Identifiers: Orphanet 1934, MedGen C0393706, MONDO:0800491.

Allele frequency attached by ClinVar (database versions not stated): gnomAD exomes below 0.00001.
gnomAD v4.1: 2 of 1,612,806 alleles (0.00012%); highest among the groups gnomAD compares: Admixed American, 0.0033%; no homozygotes.

Submission:

Labcorp Genetics (formerly Invitae), Labcorp
Classification: Uncertain significance for Early-infantile DEE. Last evaluated: 2020-12-01. Review status: criteria provided, single submitter. Criteria: Invitae Variant Classification Sherloc (09022015). Collection method: clinical testing. Allele origin: germline.
Comment: This sequence change replaces leucine with methionine at codon 319 of the SCN8A protein (p.Leu319Met). The leucine residue is moderately conserved and there is a small physicochemical difference between leucine and methionine. This variant is not present in population databases (ExAC no frequency). This variant has not been reported in the literature in individuals with SCN8A-related conditions. Algorithms developed to predict the effect of missense changes on protein structure and function are either unavailable or do not agree on the potential impact of this missense change (SIFT: "Tolerated"; PolyPhen-2: "Possibly Damaging"; Align-GVGD: "Class C0"). In summary, the available evidence is currently insufficient to determine the role of this variant in disease. Therefore, it has been classified as a Variant of Uncertain Significance.